The following is an entry in ClinVar:

NM_000639.3(FASLG):c.451+8T>A

Gene: FASLG (Fas ligand; plus strand). Cytogenetic location: 1q24.3.
Variant type: single nucleotide variant.
Coding change: c.451+8T>A on transcript NM_000639.3 (MANE Select); 8 bases into the intron after coding-DNA position 451, T replaced by A.
Molecular consequence: intron variant.
Genome position (GRCh38, 1-based): chr1:172,664,398, T>A. VCF-style: chr1-172664398-T-A. GRCh37 (hg19) VCF-style: chr1-172633538-T-A.
Other names: c.*21+8T>A (NM_001302746.2).
Identifiers: ClinVar variation 760025 (VCV000760025.10), dbSNP rs372021169, ClinGen allele CA1247569.

ClinVar aggregate classification (germline): Benign/Likely benign. Review status: criteria provided, multiple submitters, no conflicts (2 of 4 stars). 2 submissions from 2 submitters: Benign (1); Likely benign (1). Last evaluated 2025-12-30.

Conditions:
Autoimmune lymphoproliferative syndrome type 1. Also called: AUTOIMMUNE LYMPHOPROLIFERATIVE SYNDROME, TYPE I, AUTOSOMAL DOMINANT. Identifiers: Orphanet 3261, MedGen C2717884, MONDO:0011158, OMIM 601859.

Allele frequency attached by ClinVar (database versions not stated): gnomAD 0.00002 and 0.00001; gnomAD exomes 0.00004 and 0.00002; ExAC 0.00002; TOPMed 0.00002.
gnomAD v4.1: 37 of 1,613,790 alleles (0.0023%); highest among the groups gnomAD compares: East Asian, 0.047%; no homozygotes.

Submissions (2):

Labcorp Genetics (formerly Invitae), Labcorp
Classification: Likely benign for Autoimmune lymphoproliferative syndrome. Last evaluated: 2025-12-30. Review status: criteria provided, single submitter. Criteria: Invitae Variant Classification Sherloc (09022015). Collection method: clinical testing. Allele origin: germline.

Illumina Laboratory Services, Illumina
Classification: Benign for Autoimmune lymphoproliferative syndrome type 1. Last evaluated: 2018-01-13. Review status: criteria provided, single submitter. Criteria: ICSL Variant Classification Criteria 13 December 2019. Collection method: clinical testing. Allele origin: germline.
Comment: This variant was observed in the ICSL laboratory as part of a predisposition screen in an ostensibly healthy population. It had not been previously curated by ICSL or reported in the Human Gene Mutation Database (HGMD: prior to June 1st, 2018), and was therefore a candidate for classification through an automated scoring system. Utilizing variant allele frequency, disease prevalence and penetrance estimates, and inheritance mode, an automated score was calculated to assess if this variant is too frequent to cause the disease. Based on the score and internal cut-off values, a variant classified as benign is not then subjected to further curation. The score for this variant resulted in a classification of benign for this disease.